The following is an entry in ClinVar:

NM_152906.7(TANGO2):c.280del (p.His94fs)

Gene: TANGO2 (transport and golgi organization 2 homolog; plus strand). Cytogenetic location: 22q11.21.
Variant type: Deletion.
Coding change: c.280del on transcript NM_152906.7 (MANE Select); coding-DNA position 280, one base deleted (C; older notation c.280delC).
Protein change: p.His94fs; shifts the reading frame from histidine 94.
Molecular consequence: frameshift variant. On other transcripts: non-coding transcript variant (1), intron variant (18).
Genome position (GRCh38, 1-based): chr22:20,053,451, C deleted; the last of 3 consecutive C bases (chr22:20,053,449-20,053,451); deleting any one gives the same sequence. VCF-style (leftmost placement, unchanged base first): chr22-20053448-AC-A. GRCh37 (hg19) VCF-style: chr22-20040971-AC-A.
Other names: c.280del, p.His94fs (NM_001283106.3, NM_001283116.3, NM_001283148.3 and 3 more transcripts); c.403del, p.His135fs (NM_001283129.3, NM_001283215.3, NM_001322141.2 and 3 more transcripts); c.178del, p.His60fs (NM_001322146.2, NM_001322148.2, NM_001322160.2); c.265+867del (NM_001322163.2, NM_001283179.3, NM_001322167.2 and 4 more transcripts); c.86+867del (NM_001322174.2, NM_001322172.2, NM_001322175.2 and 6 more transcripts); c.388+867del (NM_001322145.2, NM_001322147.2); short protein forms H135fs, H60fs, H94fs.
Identifiers: ClinVar variation 1710052 (VCV001710052.6), dbSNP rs2046773175, ClinGen allele CA2396170763.

ClinVar aggregate classification (germline): Pathogenic/Likely pathogenic. Review status: criteria provided, multiple submitters, no conflicts (2 of 4 stars). 3 submissions from 3 submitters: Pathogenic (1); Likely pathogenic (1). 1 of the submissions does not count toward it. Last evaluated 2023-04-30.

Conditions:
Recurrent metabolic encephalomyopathic crises-rhabdomyolysis-cardiac arrhythmia-intellectual disability syndrome (MECRCN). Also called: Metabolic encephalomyopathic crises, recurrent, with rhabdomyolysis, cardiac arrhythmias, and neurodegeneration; METABOLIC CRISES, RECURRENT, WITH RHABDOMYOLYSIS, CARDIAC ARRHYTHMIAS, AND NEURODEGENERATION; TANGO2 Deficiency. Identifiers: Orphanet 480864, MedGen C5567524, MONDO:0018820, OMIM 616878.

Submissions (3):

Labcorp Genetics (formerly Invitae), Labcorp
Classification: Pathogenic. Last evaluated: 2023-04-30. Review status: criteria provided, single submitter. Criteria: Invitae Variant Classification Sherloc (09022015). Collection method: clinical testing. Allele origin: germline.
Comment: This sequence change creates a premature translational stop signal (p.His94Thrfs*3) in the TANGO2 gene. It is expected to result in an absent or disrupted protein product. Loss-of-function variants in TANGO2 are known to be pathogenic (PMID: 26805781, 26805782). For these reasons, this variant has been classified as Pathogenic. ClinVar contains an entry for this variant (Variation ID: 1710052). This premature translational stop signal has been observed in individual(s) with neurodevelopmental delay (PMID: 31276219). This variant is not present in population databases (gnomAD no frequency).

MGZ Medical Genetics Center
Classification: Likely pathogenic for Recurrent metabolic encephalomyopathic crises-rhabdomyolysis-cardiac arrhythmia-intellectual disability syndrome. Last evaluated: 2021-10-12. Review status: criteria provided, single submitter. Criteria: ACMG Guidelines, 2015. Collection method: clinical testing. Allele origin: germline. Affected: yes. Observed: 1 variant allele.
Comment: ACMG criteria applied: PVS1, PM2_SUP

OMIM
Classification: Pathogenic for METABOLIC CRISES, RECURRENT, WITH RHABDOMYOLYSIS, CARDIAC ARRHYTHMIAS, AND NEURODEGENERATION. Last evaluated: 2023-01-27. Review status: no assertion criteria provided. Collection method: literature only. Allele origin: germline. Not counted in ClinVar's aggregate classification.

Literature cited by the submitters: PubMed 26805781 (cited by Labcorp Genetics (formerly Invitae), Labcorp); PubMed 26805782 (cited by Labcorp Genetics (formerly Invitae), Labcorp); PubMed 31276219 (cited by Labcorp Genetics (formerly Invitae), Labcorp and OMIM).